The following is an entry in ClinVar:

ClinVar aggregate classification (germline): Uncertain significance. Review status: criteria provided, multiple submitters, no conflicts (2 of 4 stars). 2 submissions from 2 submitters: Uncertain significance (2). Last evaluated 2023-12-21.

Conditions:
Episodic ataxia type 2 (EA2). Also called: ATAXIA, EPISODIC, WITH NYSTAGMUS; ATAXIA, FAMILIAL PAROXYSMAL; ACETAZOLAMIDE-RESPONSIVE HEREDITARY PAROXYSMAL CEREBELLAR ATAXIA; EPISODIC ATAXIA, NYSTAGMUS-ASSOCIATED; CEREBELLAR ATAXIA, PAROXYSMAL, ACETAZOLAMIDE-RESPONSIVE; CEREBELLOPATHY, HEREDITARY PAROXYSMAL. Identifiers: Orphanet 97, MedGen C1720416, MONDO:0007163, OMIM 108500.
Developmental and epileptic encephalopathy, 42 (DEE42A). Also called: DEVELOPMENTAL AND EPILEPTIC ENCEPHALOPATHY 42A; EPILEPTIC ENCEPHALOPATHY, EARLY INFANTILE, 42A; Epileptic encephalopathy, early infantile, 42. Identifiers: MedGen C4310716, MONDO:0014917, OMIM 617106.

Allele frequency attached by ClinVar (database versions not stated): gnomAD 0.00001; TOPMed 0.00001.
gnomAD v4.1: 3 of 1,613,512 alleles (0.00019%); highest among the groups gnomAD compares: African/African-American, 0.004%; no homozygotes.

Submissions (2):

Labcorp Genetics (formerly Invitae), Labcorp
Classification: Uncertain significance for Developmental and epileptic encephalopathy, 42; Episodic ataxia type 2. Last evaluated: 2023-12-21. Review status: criteria provided, single submitter. Criteria: Invitae Variant Classification Sherloc (09022015). Collection method: clinical testing. Allele origin: germline.
Comment: This sequence change replaces valine, which is neutral and non-polar, with leucine, which is neutral and non-polar, at codon 689 of the CACNA1A protein (p.Val689Leu). This variant is not present in population databases (gnomAD no frequency). This variant has not been reported in the literature in individuals affected with CACNA1A-related conditions. ClinVar contains an entry for this variant (Variation ID: 429800). Advanced modeling of protein sequence and biophysical properties (such as structural, functional, and spatial information, amino acid conservation, physicochemical variation, residue mobility, and thermodynamic stability) performed at Invitae indicates that this missense variant is not expected to disrupt CACNA1A protein function with a negative predictive value of 95%. In summary, the available evidence is currently insufficient to determine the role of this variant in disease. Therefore, it has been classified as a Variant of Uncertain Significance.

GeneDx
Classification: Uncertain significance. Last evaluated: 2018-12-19. Review status: criteria provided, single submitter. Criteria: GeneDx Variant Classification (06012015). Collection method: clinical testing. Allele origin: germline. Affected: yes.
Comment: A variant of uncertain significance has been identified in the CACNA1A gene. The V689L variant has not been published as a pathogenic variant, nor has it been reported as a benign variant to our knowledge. The V689L variant is not observed in large population cohorts (Lek et al., 2016; 1000 Genomes Consortium et al., 2015; Exome Variant Server). The V689L variant is a conservative amino acid substitution, which is not likely to impact secondary protein structure as these residues share similar properties. This substitution occurs at a position where amino acids with similar properties to Valine are tolerated across species. However, in silico analysis is inconsistent in its predictions as to whether or not the variant is damaging to the protein structure/function. Therefore, based on the currently available information, it is unclear whether this variant is a pathogenic variant or a rare benign variant.

NM_001127222.2(CACNA1A):c.2062G>T (p.Val688Leu)

Gene: CACNA1A (calcium voltage-gated channel subunit alpha1 A; minus strand). Cytogenetic location: 19p13.13.
Variant type: single nucleotide variant.
Coding change: c.2062G>T on transcript NM_001127222.2 (MANE Select); coding-DNA position 2062, G replaced by T.
Protein change: p.Val688Leu; replaces valine 688 with leucine.
Molecular consequence: missense variant.
Genome position (GRCh38, 1-based): chr19:13,303,809, C>A on the plus strand (G>T on the coding strand, the complement: CACNA1A is on the minus strand). VCF-style: chr19-13303809-C-A. GRCh37 (hg19) VCF-style: chr19-13414623-C-A.
Other names: c.2065G>T, p.Val689Leu (NM_000068.4, NM_001127221.2, NM_001174080.2 and 1 more transcripts); short protein forms V689L, V688L.
Identifiers: ClinVar variation 429800 (VCV000429800.5), dbSNP rs762530372, ClinGen allele CA404344348.